The following is an entry in ClinVar:

ClinVar aggregate classification (germline): Uncertain significance (1 of 4 stars; one submission).

Allele frequency attached by ClinVar (database versions not stated): gnomAD exomes below 0.00001; gnomAD 0.00001.
gnomAD v4.1: 6 of 1,613,690 alleles (0.00037%); highest among the groups gnomAD compares: Non-Finnish European, 0.00051%; no homozygotes.

Submission:

Labcorp Genetics (formerly Invitae), Labcorp
Classification: Uncertain significance. Last evaluated: 2021-03-28. Review status: criteria provided, single submitter. Criteria: Invitae Variant Classification Sherloc (09022015). Collection method: clinical testing. Allele origin: germline.
Comment: In summary, the available evidence is currently insufficient to determine the role of this variant in disease. Therefore, it has been classified as a Variant of Uncertain Significance. Algorithms developed to predict the effect of missense changes on protein structure and function are either unavailable or do not agree on the potential impact of this missense change (SIFT: "Deleterious"; PolyPhen-2: "Probably Damaging"; Align-GVGD: "Class C0"). This variant has not been reported in the literature in individuals with FKBP10-related conditions. This variant is not present in population databases (ExAC no frequency). This sequence change replaces tryptophan with cysteine at codon 150 of the FKBP10 protein (p.Trp150Cys). The tryptophan residue is highly conserved and there is a large physicochemical difference between tryptophan and cysteine.

NM_021939.4(FKBP10):c.450G>C (p.Trp150Cys)

Gene: FKBP10 (FKBP prolyl isomerase 10; plus strand). Cytogenetic location: 17q21.2.
Variant type: single nucleotide variant.
Coding change: c.450G>C on transcript NM_021939.4 (MANE Select); coding-DNA position 450, G replaced by C.
Protein change: p.Trp150Cys; replaces tryptophan 150 with cysteine.
Molecular consequence: missense variant.
Genome position (GRCh38, 1-based): chr17:41,818,147, G>C. VCF-style: chr17-41818147-G-C. GRCh37 (hg19) VCF-style: chr17-39974399-G-C.
Other names: short protein forms W150C.
Identifiers: ClinVar variation 1382754 (VCV001382754.8), dbSNP rs1227634800, ClinGen allele CA399514464.